The following is an entry in ClinVar:

ClinVar aggregate classification (germline): Pathogenic (1 of 4 stars; one submission).

Allele frequency attached by ClinVar (database versions not stated): gnomAD exomes below 0.00001.

Submission:

Labcorp Genetics (formerly Invitae), Labcorp
Classification: Pathogenic. Last evaluated: 2022-05-12. Review status: criteria provided, single submitter. Criteria: Invitae Variant Classification Sherloc (09022015). Collection method: clinical testing. Allele origin: germline.
Comment: For these reasons, this variant has been classified as Pathogenic. This variant has not been reported in the literature in individuals affected with POLE-related conditions. This variant is not present in population databases (gnomAD no frequency). This sequence change creates a premature translational stop signal (p.Tyr468Profs*34) in the POLE gene. It is expected to result in an absent or disrupted protein product. Loss-of-function variants in POLE are known to be pathogenic (PMID: 23230001, 25948378, 30503519).

Literature cited by the submitters: PubMed 23230001; PubMed 25948378; PubMed 30503519.

NM_006231.4(POLE):c.1402_1403del (p.Tyr468fs)

Gene: POLE (DNA polymerase epsilon, catalytic subunit; minus strand). Cytogenetic location: 12q24.33.
Variant type: Deletion.
Coding change: c.1402_1403del on transcript NM_006231.4 (MANE Select); coding-DNA positions 1402 to 1403, 2 bases deleted (TA; older notation c.1402_1403delTA).
Protein change: p.Tyr468fs; shifts the reading frame from tyrosine 468.
Molecular consequence: frameshift variant.
Genome position (GRCh38, 1-based): chr12:132,673,234-132,673,235, TA deleted on the plus strand (TA on the coding strand, the reverse complement: POLE is on the minus strand). VCF-style (leftmost placement, unchanged base first): chr12-132673233-GTA-G. GRCh37 (hg19) VCF-style: chr12-133249819-GTA-G.
Other names: short protein forms Y468fs.
Identifiers: ClinVar variation 2117793 (VCV002117793.4), dbSNP rs2542140941, ClinGen allele CA2580086043.
Genomic context (GRCh38, chr12:132,673,233, plus strand): 5'-CTCCATGGGAATAATGGTGCACAGAGCAAAGATGAATGGGTGGACGTACTTCATGTACAG[GTA>G]GTAAGTGGCGACAGCATCTGACACAGAATACGTGGCCAGAGTCTGAGGAGAGAACGCCAG-3'